The following is an entry in ClinVar:

ClinVar aggregate classification (germline): Uncertain significance. Review status: criteria provided, multiple submitters, no conflicts (2 of 4 stars). 2 submissions from 2 submitters: Uncertain significance (2). Last evaluated 2024-08-11.

Conditions:
Charcot-Marie-Tooth disease dominant intermediate C (CMTDIC). Also called: CHARCOT-MARIE-TOOTH NEUROPATHY, DOMINANT INTERMEDIATE C. Identifiers: Orphanet 100045, MedGen C1842237, MONDO:0012012, OMIM 608323.

Allele frequency attached by ClinVar (database versions not stated): ExAC 0.00001; gnomAD 0.00001; gnomAD exomes 0.00001 and 0.00002; TOPMed 0.00002.

Submissions (2):

Labcorp Genetics (formerly Invitae), Labcorp
Classification: Uncertain significance for Charcot-Marie-Tooth disease dominant intermediate C. Last evaluated: 2024-08-11. Review status: criteria provided, single submitter. Criteria: Invitae Variant Classification Sherloc (09022015). Collection method: clinical testing. Allele origin: germline.
Comment: This sequence change replaces valine, which is neutral and non-polar, with methionine, which is neutral and non-polar, at codon 293 of the YARS protein (p.Val293Met). This variant is present in population databases (rs746614278, gnomAD 0.007%). This missense change has been observed in individual(s) with Charcot-Marie-Tooth disease (PMID: 27027447). ClinVar contains an entry for this variant (Variation ID: 939386). Advanced modeling of protein sequence and biophysical properties (such as structural, functional, and spatial information, amino acid conservation, physicochemical variation, residue mobility, and thermodynamic stability) performed at Invitae indicates that this missense variant is not expected to disrupt YARS protein function with a negative predictive value of 80%. Experimental studies have shown that this missense change does not substantially affect YARS function (PMID: 27027447). In summary, the available evidence is currently insufficient to determine the role of this variant in disease. Therefore, it has been classified as a Variant of Uncertain Significance.

GeneDx
Classification: Uncertain significance. Last evaluated: 2020-09-28. Review status: criteria provided, single submitter. Criteria: GeneDx Variant Classification Process June 2021. Collection method: clinical testing. Allele origin: germline. Affected: yes.
Comment: Reported previously in an individual with a clinical diagnosis of CMT; however, segregation analysis was not performed (Li et al., 2016); Functional studies showed comparable mRNA and protein levels compared to wild type (Li et al., 2016); In silico analysis supports that this missense variant does not alter protein structure/function; This variant is associated with the following publications: (PMID: 27027447)

Literature cited by the submitters: PubMed 27027447 (cited by Labcorp Genetics (formerly Invitae), Labcorp).

NM_003680.4(YARS1):c.877G>A (p.Val293Met)

Genes: YARS1 (tyrosyl-tRNA synthetase 1; minus strand), LOC126805688 (BRD4-independent group 4 enhancer GRCh37_chr1:33251929-33253128; plus strand). Cytogenetic location: 1p35.1.
Variant type: single nucleotide variant.
Coding change: c.877G>A on transcript NM_003680.4 (MANE Select); coding-DNA position 877, G replaced by A.
Protein change: p.Val293Met; replaces valine 293 with methionine.
Molecular consequence: missense variant.
Genome position (GRCh38, 1-based): chr1:32,786,391, C>T on the plus strand (G>A on the coding strand, the complement: YARS1 is on the minus strand). VCF-style: chr1-32786391-C-T. GRCh37 (hg19) VCF-style: chr1-33251992-C-T.
Other names: short protein forms V293M.
Identifiers: ClinVar variation 939386 (VCV000939386.11), dbSNP rs746614278, ClinGen allele CA745066.